The following is an entry in ClinVar:

NM_000350.3(ABCA4):c.570+5G>T

Gene: ABCA4 (ATP binding cassette subfamily A member 4; minus strand). Cytogenetic location: 1p22.1.
Variant type: single nucleotide variant.
Coding change: c.570+5G>T on transcript NM_000350.3 (MANE Select); 5 bases into the intron after coding-DNA position 570, G replaced by T.
Molecular consequence: intron variant.
Genome position (GRCh38, 1-based): chr1:94,103,010, C>A on the plus strand (G>T on the coding strand, the complement: ABCA4 is on the minus strand). VCF-style: chr1-94103010-C-A. GRCh37 (hg19) VCF-style: chr1-94568566-C-A.
Identifiers: ClinVar variation 1423515 (VCV001423515.4), dbSNP rs1014460684, ClinGen allele CA524393901.

ClinVar aggregate classification (germline): Uncertain significance (1 of 4 stars; one submission).

Allele frequency attached by ClinVar (database versions not stated): TOPMed 0.00001; gnomAD exomes below 0.00001.
gnomAD v4.1: 3 of 1,614,056 alleles (0.00019%); highest among the groups gnomAD compares: Non-Finnish European, 0.00017%; no homozygotes.

Submission:

Labcorp Genetics (formerly Invitae), Labcorp
Classification: Uncertain significance. Last evaluated: 2025-04-17. Review status: criteria provided, single submitter. Criteria: Invitae Variant Classification Sherloc (09022015). Collection method: clinical testing. Allele origin: germline.
Comment: This sequence change falls in intron 5 of the ABCA4 gene. It does not directly change the encoded amino acid sequence of the ABCA4 protein. It affects a nucleotide within the consensus splice site. This variant is present in population databases (no rsID available, gnomAD 0.004%). This variant has not been reported in the literature in individuals affected with ABCA4-related conditions. ClinVar contains an entry for this variant (Variation ID: 1423515). Variants that disrupt the consensus splice site are a relatively common cause of aberrant splicing (PMID: 17576681, 9536098). Algorithms developed to predict the effect of sequence changes on RNA splicing suggest that this variant is not likely to affect RNA splicing. In summary, the available evidence is currently insufficient to determine the role of this variant in disease. Therefore, it has been classified as a Variant of Uncertain Significance.

Literature cited by the submitters: PubMed 17576681; PubMed 9536098.